The following is an entry in ClinVar:

NM_003924.4(PHOX2B):c.707_711del (p.Pro236fs)

Gene: PHOX2B (paired like homeobox 2B; minus strand). Cytogenetic location: 4p13.
Variant type: Deletion.
Coding change: c.707_711del on transcript NM_003924.4 (MANE Select); coding-DNA positions 707 to 711, 5 bases deleted (CCGGC; older notation c.707_711delCCGGC).
Protein change: p.Pro236fs; shifts the reading frame from proline 236.
Molecular consequence: frameshift variant.
Genome position (GRCh38, 1-based): chr4:41,746,041-41,746,045, GCCGG deleted on the plus strand (CCGGC on the coding strand, the reverse complement: PHOX2B is on the minus strand); deleting any 5 consecutive bases within chr4:41,746,041-41,746,046 gives the same sequence; the c. name uses the placement nearest the transcript's 3' end. VCF-style (leftmost placement, unchanged base first): chr4-41746040-TGCCGG-T. GRCh37 (hg19) VCF-style: chr4-41748057-TGCCGG-T.
Other names: short protein forms P236fs.
Identifiers: ClinVar variation 4530360 (VCV004530360.1).

ClinVar aggregate classification (somatic clinical impact): Tier I - Strong (1 of 4 stars; one submission).

Conditions:
Neuroblastoma (NB). Identifiers: Orphanet 635, MedGen C0027819, MeSH D009447, MONDO:0005072, HP:0003006.

Submission:

Institute for Genomic Medicine (IGM) Clinical Laboratory, Nationwide Children's Hospital
Classification: Tier I - Strong for Neuroblastoma. Assertion type: diagnostic. Clinical significance: supports diagnosis. Last evaluated: 2024-03-22. Review status: criteria provided, single submitter. Criteria: AMP/ASCO/CAP Guidelines, 2017. Collection method: clinical testing. Allele origin: somatic. Affected: yes.
Comment: Variant has Tier I (strong) clinical significance as a diagnostic inclusion criterion in neuroblastoma, based on the following evidence: 1) Appears in one or more well-established professional guidelines (e.g., World Health Organization [WHO]; National Comprehensive Cancer Network [NCCN]) as providing diagnostic, prognostic, or therapeutic information. 2) Diagnostic for a specific tumor type/classification based on well-powered studies with expert-level consensus (Evidence Level B; PMIDs: 28055978, 31927719, 33384420).

Literature cited by the submitters: PubMed 28055978; PubMed 31927719; PubMed 33384420.